The following is an entry in ClinVar:

ClinVar aggregate classification (germline): Uncertain significance. Review status: criteria provided, multiple submitters, no conflicts (2 of 4 stars). 2 submissions from 2 submitters: Uncertain significance (2). Last evaluated 2024-04-25.

Allele frequency attached by ClinVar (database versions not stated): gnomAD 0.00001; TOPMed 0.00002; ExAC 0.00003; gnomAD exomes 0.00004.
gnomAD v4.1: 17 of 1,613,906 alleles (0.0011%); highest among the groups gnomAD compares: Admixed American, 0.005%; no homozygotes.

Submissions (2):

Blueprint Genetics
Classification: Uncertain significance. Last evaluated: 2024-04-25. Review status: criteria provided, single submitter. Criteria: ACMG Guidelines, 2015. Collection method: clinical testing. Allele origin: germline.

Labcorp Genetics (formerly Invitae), Labcorp
Classification: Uncertain significance. Last evaluated: 2021-08-31. Review status: criteria provided, single submitter. Criteria: Invitae Variant Classification Sherloc (09022015). Collection method: clinical testing. Allele origin: germline.
Comment: This sequence change replaces asparagine with aspartic acid at codon 1469 of the ABCA4 protein (p.Asn1469Asp). The asparagine residue is moderately conserved and there is a small physicochemical difference between asparagine and aspartic acid. This variant is present in population databases (rs769441167, ExAC 0.02%). This variant has not been reported in the literature in individuals affected with ABCA4-related conditions. Advanced modeling of protein sequence and biophysical properties (such as structural, functional, and spatial information, amino acid conservation, physicochemical variation, residue mobility, and thermodynamic stability) performed at Invitae indicates that this missense variant is not expected to disrupt ABCA4 protein function. Algorithms developed to predict the effect of sequence changes on RNA splicing suggest that this variant may create or strengthen a splice site. In summary, the available evidence is currently insufficient to determine the role of this variant in disease. Therefore, it has been classified as a Variant of Uncertain Significance.

NM_000350.3(ABCA4):c.4405A>G (p.Asn1469Asp)

Gene: ABCA4 (ATP binding cassette subfamily A member 4; minus strand). Cytogenetic location: 1p22.1.
Variant type: single nucleotide variant.
Coding change: c.4405A>G on transcript NM_000350.3 (MANE Select); coding-DNA position 4405, A replaced by G.
Protein change: p.Asn1469Asp; replaces asparagine 1469 with aspartic acid.
Molecular consequence: missense variant.
Genome position (GRCh38, 1-based): chr1:94,029,579, T>C on the plus strand (A>G on the coding strand, the complement: ABCA4 is on the minus strand). VCF-style: chr1-94029579-T-C. GRCh37 (hg19) VCF-style: chr1-94495135-T-C.
Other names: c.4183A>G, p.Asn1395Asp (NM_001425324.1); short protein forms N1469D, N1395D.
Identifiers: ClinVar variation 1373665 (VCV001373665.6), dbSNP rs769441167, ClinGen allele CA957611.